The following is an entry in ClinVar:

NC_000013.11:g.110145211C>T

Gene: COL4A1 (collagen type IV alpha 1 chain; minus strand). Cytogenetic location: 13q34.
Variant type: single nucleotide variant.
Genome position: GRCh38 VCF-style: chr13-110145211-C-T. GRCh37 (hg19) VCF-style: chr13-110797558-C-T.
Identifiers: ClinVar variation 3032836 (VCV003032836.2), dbSNP rs111619893, ClinGen allele CA256252552.
Genomic context (GRCh38, chr13:110,145,211, plus strand): 5'-TGGATCACGAGGTCAGGAGATCGAGACCATCCTGGCTAACATGGTGAAACCCCGTCTCTA[C>T]TAAAAATACGAAAAATTAGCCGGGCATGGTGGCGGGCACCTGTAGTCCCAGCTACTTGGG-3'

ClinVar aggregate classification (germline): Likely benign (0 of 4 stars; one submission).

Conditions:
COL4A1-related disorder. Also called: COL4A1-related disorders; COL4A1-related condition. Identifiers: MedGen CN376119, MONDO:0800461.

Allele frequency attached by ClinVar (database versions not stated): 1000 Genomes Project 30x 0.02280; 1000 Genomes Project 0.02396; gnomAD 0.02450; TOPMed 0.02490.

Submission:

PreventionGenetics, part of Exact Sciences
Classification: Likely benign for COL4A1-related condition. Last evaluated: 2022-02-10. Review status: no assertion criteria provided. Collection method: clinical testing. Allele origin: germline.
Comment: This variant is classified as likely benign based on ACMG/AMP sequence variant interpretation guidelines (Richards et al. 2015 PMID: 25741868, with internal and published modifications).